The following is an entry in ClinVar:

ClinVar aggregate classification (germline): Uncertain significance (1 of 4 stars; one submission).

Allele frequency attached by ClinVar (database versions not stated): gnomAD exomes below 0.00001; TOPMed below 0.00001; gnomAD 0.00001.
gnomAD v4.1: 2 of 1,613,884 alleles (0.00012%); highest among the groups gnomAD compares: Non-Finnish European, 0.00017%; no homozygotes.

Submission:

Labcorp Genetics (formerly Invitae), Labcorp
Classification: Uncertain significance. Last evaluated: 2022-08-17. Review status: criteria provided, single submitter. Criteria: Invitae Variant Classification Sherloc (09022015). Collection method: clinical testing. Allele origin: germline.
Comment: Advanced modeling of protein sequence and biophysical properties (such as structural, functional, and spatial information, amino acid conservation, physicochemical variation, residue mobility, and thermodynamic stability) performed at Invitae indicates that this missense variant is expected to disrupt COL7A1 protein function. In summary, the available evidence is currently insufficient to determine the role of this variant in disease. Therefore, it has been classified as a Variant of Uncertain Significance. This variant disrupts the triple helix domain of COL7A1. Glycine residues within the Gly-Xaa-Yaa repeats of the triple helix domain are required for the structure and stability of fibrillar collagens (PMID: 7695699, 8218237, 19344236), and variants at these glycine residues in COL7A1 are more frequently observed in individuals with disease than in the general population (PMID: 22058051). However, the clinical significance of this observation remains uncertain since only a limited number of affected individuals have been described to date. This variant has not been reported in the literature in individuals affected with COL7A1-related conditions. This variant is not present in population databases (gnomAD no frequency). This sequence change replaces glycine, which is neutral and non-polar, with glutamic acid, which is acidic and polar, at codon 2108 of the COL7A1 protein (p.Gly2108Glu).

Literature cited by the submitters: PubMed 7695699; PubMed 8218237; PubMed 19344236; PubMed 22058051.

NM_000094.4(COL7A1):c.6323G>A (p.Gly2108Glu)

Gene: COL7A1 (collagen type VII alpha 1 chain; minus strand). Cytogenetic location: 3p21.31.
Variant type: single nucleotide variant.
Coding change: c.6323G>A on transcript NM_000094.4 (MANE Select); coding-DNA position 6323, G replaced by A.
Protein change: p.Gly2108Glu; replaces glycine 2108 with glutamic acid.
Molecular consequence: missense variant.
Genome position (GRCh38, 1-based): chr3:48,574,822, C>T on the plus strand (G>A on the coding strand, the complement: COL7A1 is on the minus strand). VCF-style: chr3-48574822-C-T. GRCh37 (hg19) VCF-style: chr3-48612255-C-T.
Other names: short protein forms G2108E.
Identifiers: ClinVar variation 1927668 (VCV001927668.5), dbSNP rs1355300196, ClinGen allele CA352659729.